The following is an entry in ClinVar:

ClinVar aggregate classification (germline): Uncertain significance (1 of 4 stars; one submission).

gnomAD v4.1: 6 of 1,610,652 alleles (0.00037%); highest among the groups gnomAD compares: Middle Eastern, 0.05%; no homozygotes.

Submission:

Labcorp Genetics (formerly Invitae), Labcorp
Classification: Uncertain significance. Last evaluated: 2025-02-06. Review status: criteria provided, single submitter. Criteria: Invitae Variant Classification Sherloc (09022015). Collection method: clinical testing. Allele origin: germline.
Comment: This sequence change falls in intron 12 of the SULF1 gene. It does not directly change the encoded amino acid sequence of the SULF1 protein. It affects a nucleotide within the consensus splice site. This variant is present in population databases (no rsID available, gnomAD 0.003%). This variant has not been reported in the literature in individuals affected with SULF1-related conditions. Variants that disrupt the consensus splice site are a relatively common cause of aberrant splicing (PMID: 17576681, 9536098). Algorithms developed to predict the effect of sequence changes on RNA splicing suggest that this variant is not likely to affect RNA splicing. In summary, the available evidence is currently insufficient to determine the role of this variant in disease. Therefore, it has been classified as a Variant of Uncertain Significance.

Literature cited by the submitters: PubMed 17576681; PubMed 9536098.

NM_001128205.2(SULF1):c.1247+5T>C

Gene: SULF1 (sulfatase 1; plus strand). Cytogenetic location: 8q13.3.
Variant type: single nucleotide variant.
Coding change: c.1247+5T>C on transcript NM_001128205.2 (MANE Select); 5 bases into the intron after coding-DNA position 1247, T replaced by C.
Molecular consequence: intron variant. On other transcripts: 3 prime UTR variant (3).
Genome position (GRCh38, 1-based): chr8:69,603,661, T>C. VCF-style: chr8-69603661-T-C. GRCh37 (hg19) VCF-style: chr8-70515896-T-C.
Other names: c.*1T>C (NM_001412847.1, NM_001412848.1, NM_001412849.1); c.1247+5T>C (NM_001412835.1, NM_015170.3, NM_001412828.1 and 9 more transcripts); c.1190+341T>C (NM_001412836.1, NM_001412837.1); c.1118+5T>C (NM_001412839.1, NM_001412838.1, NM_001412832.1 and 1 more transcripts); c.647+5T>C (NM_001412845.1, NM_001412844.1); c.-529+5T>C (NM_001412846.1); c.1061+5T>C (NM_001412841.1, NM_001412842.1).
Identifiers: ClinVar variation 4696717 (VCV004696717.1).